The following is an entry in ClinVar:

NM_022114.4(PRDM16):c.3120C>A (p.His1040Gln)

Gene: PRDM16 (PR/SET domain 16; plus strand). Cytogenetic location: 1p36.32.
Variant type: single nucleotide variant.
Coding change: c.3120C>A on transcript NM_022114.4 (MANE Select); coding-DNA position 3120, C replaced by A.
Protein change: p.His1040Gln; replaces histidine 1040 with glutamine.
Molecular consequence: missense variant.
Genome position (GRCh38, 1-based): chr1:3,426,061, C>A. VCF-style: chr1-3426061-C-A. GRCh37 (hg19) VCF-style: chr1-3342625-C-A.
Other names: c.3120C>A, p.His1040Gln (NM_199454.3); short protein forms H1040Q.
Identifiers: ClinVar variation 4719632 (VCV004719632.1).
Genomic context (GRCh38, chr1:3,426,061, plus strand): 5'-GGGAGGGGTCCAGCGAGAGGCCGCCCCCTGATGCTCCCGCCCCTCCGCAGTGAGCCAGCA[C>A]CCCGGGGTCCTCACGAACCACCTGGGGACCAGCGCGTCCTCTCCCACCTCAGAGTCGGAC-3'
Protein context (NP_071397.3, residues 1030-1050): HEHENAPVSQ[His1040Gln]PGVLTNHLGT

ClinVar aggregate classification (germline): Uncertain significance (1 of 4 stars; one submission).

Conditions:
Left ventricular noncompaction 8 (LVNC8). Identifiers: Orphanet 154, Orphanet 54260, MedGen C3809288, MONDO:0014152, OMIM 615373.

gnomAD v4.1: 1 of 1,613,278 alleles (0.000062%); highest among the groups gnomAD compares: South Asian, 0.0011%; no homozygotes.

Submission:

Labcorp Genetics (formerly Invitae), Labcorp
Classification: Uncertain significance for Left ventricular noncompaction 8. Last evaluated: 2025-05-15. Review status: criteria provided, single submitter. Criteria: Invitae Variant Classification Sherloc (09022015). Collection method: clinical testing. Allele origin: germline.
Comment: This sequence change replaces histidine, which is basic and polar, with glutamine, which is neutral and polar, at codon 1040 of the PRDM16 protein (p.His1040Gln). This variant is not present in population databases (gnomAD no frequency). This variant has not been reported in the literature in individuals affected with PRDM16-related conditions. An algorithm developed to predict the effect of missense changes on protein structure and function (PolyPhen-2) suggests that this variant is likely to be tolerated. In summary, the available evidence is currently insufficient to determine the role of this variant in disease. Therefore, it has been classified as a Variant of Uncertain Significance.